The following is an entry in ClinVar:

NM_005475.3(SH2B3):c.862G>C (p.Glu288Gln)

Gene: SH2B3 (SH2B adaptor protein 3; plus strand). Cytogenetic location: 12q24.12.
Variant type: single nucleotide variant.
Coding change: c.862G>C on transcript NM_005475.3 (MANE Select); coding-DNA position 862, G replaced by C.
Protein change: p.Glu288Gln; replaces glutamic acid 288 with glutamine.
Molecular consequence: missense variant.
Genome position (GRCh38, 1-based): chr12:111,446,969, G>C. VCF-style: chr12-111446969-G-C. GRCh37 (hg19) VCF-style: chr12-111884773-G-C.
Other names: c.256G>C, p.Glu86Gln (NM_001291424.1); short protein forms E288Q, E86Q.
Identifiers: ClinVar variation 4163968 (VCV004163968.1).
Genomic context (GRCh38, chr12:111,446,969, plus strand): 5'-CAGACCCAACCCTGTTCCCTTCCTCCCTGCCAGGTGAAGGACCGGACAGACATCATCTTT[G>C]AGGTGGGAGACGAGCAGCAGCTGAATTCATGGATGGCTGAGCTCTCGGAGTGCACAGGCC-3'
Protein context (NP_005466.1, residues 278-298): KVKDRTDIIF[Glu288Gln]VGDEQQLNSW

ClinVar aggregate classification (germline): Uncertain significance (1 of 4 stars; one submission).

Conditions:
Inborn genetic diseases. Identifiers: MedGen C0950123, MeSH D030342.

gnomAD v4.1: 1 of 1,614,124 alleles (0.000062%); highest among the groups gnomAD compares: Admixed American, 0.0017%; no homozygotes.

Submission:

Ambry Genetics
Classification: Uncertain significance for Inborn genetic diseases. Last evaluated: 2025-07-28. Review status: criteria provided, single submitter. Criteria: Ambry Variant Classification Scheme 2023. Collection method: clinical testing. Allele origin: germline.
Comment: The p.E288Q variant (also known as c.862G>C), located in coding exon 3 of the SH2B3 gene, results from a G to C substitution at nucleotide position 862. The glutamic acid at codon 288 is replaced by glutamine, an amino acid with highly similar properties. This amino acid position is conserved. In addition, the in silico prediction for this alteration is inconclusive. Based on the available evidence, the clinical significance of this variant remains unclear.